The following is an entry in ClinVar:

ClinVar aggregate classification (germline): Uncertain significance (1 of 4 stars; one submission).

Allele frequency attached by ClinVar (database versions not stated): gnomAD exomes below 0.00001; TOPMed below 0.00001; gnomAD 0.00001.
gnomAD v4.1: 2 of 1,613,422 alleles (0.00012%); highest among the groups gnomAD compares: Non-Finnish European, 0.00017%; no homozygotes.

Submission:

GeneDx
Classification: Uncertain significance. Last evaluated: 2017-05-09. Review status: criteria provided, single submitter. Criteria: GeneDx Variant Classification (06012015). Collection method: clinical testing. Allele origin: germline. Affected: yes.
Comment: The D550Y variant has not been published as a pathogenic variant, nor has it been reported as a benign variant to our knowledge. The D550Y variant is not observed in large population cohorts (Lek et al., 2016; 1000 Genomes Consortium et al., 2015; Exome Variant Server). The D550Y variant is a non-conservative amino acid substitution, which is likely to impact secondary protein structure as these residues differ in polarity, charge, size and/or other properties. This substitution occurs at a position that is conserved across species. In silico analysis predicts this variant is probably damaging to the protein structure/function. In summary, based on the currently available information, it is unclear whether this variant is a pathogenic variant or a rare benign variant.

NM_130837.3(OPA1):c.1813G>T (p.Asp605Tyr)

Genes: OPA1 (OPA1 mitochondrial dynamin like GTPase; plus strand), LOC126806913 (BRD4-independent group 4 enhancer GRCh37_chr3:193364377-193365576; plus strand). Cytogenetic location: 3q29.
Variant type: single nucleotide variant.
Coding change: c.1813G>T on transcript NM_130837.3 (MANE Select); coding-DNA position 1813, G replaced by T.
Protein change: p.Asp605Tyr; replaces aspartic acid 605 with tyrosine.
Molecular consequence: missense variant.
Genome position (GRCh38, 1-based): chr3:193,647,123, G>T. VCF-style: chr3-193647123-G-T. GRCh37 (hg19) VCF-style: chr3-193364912-G-T.
Other names: c.1279G>T, p.Asp427Tyr (NM_001354663.2); c.1276G>T, p.Asp426Tyr (NM_001354664.2); c.1648G>T, p.Asp550Tyr (NM_015560.3); c.1540G>T, p.Asp514Tyr (NM_130831.3); c.1594G>T, p.Asp532Tyr (NM_130832.3); c.1651G>T, p.Asp551Tyr (NM_130833.3); c.1702G>T, p.Asp568Tyr (NM_130834.3); c.1705G>T, p.Asp569Tyr (NM_130835.3); and 1 more; short protein forms D550Y, D605Y, D532Y, D568Y, D569Y, D551Y, D587Y, D426Y.
Identifiers: ClinVar variation 429537 (VCV000429537.2), dbSNP rs1131691441, ClinGen allele CA355790469.